The following is an entry in ClinVar:

NM_015465.5(GEMIN5):c.3844T>C (p.Tyr1282His)

Gene: GEMIN5 (gem nuclear organelle associated protein 5; minus strand). Cytogenetic location: 5q33.2.
Variant type: single nucleotide variant.
Coding change: c.3844T>C on transcript NM_015465.5 (MANE Select); coding-DNA position 3844, T replaced by C.
Protein change: p.Tyr1282His; replaces tyrosine 1282 with histidine.
Molecular consequence: missense variant.
Genome position (GRCh38, 1-based): chr5:154,891,659, A>G on the plus strand (T>C on the coding strand, the complement: GEMIN5 is on the minus strand). VCF-style: chr5-154891659-A-G. GRCh37 (hg19) VCF-style: chr5-154271219-A-G.
Other names: c.3841T>C, p.Tyr1281His (NM_001252156.2); short protein forms Y1282H, Y1281H.
Identifiers: ClinVar variation 2378060 (VCV002378060.2), dbSNP rs748292248, ClinGen allele CA361943144.
Genomic context (GRCh38, chr5:154,891,659, plus strand): 5'-AGACACTGGAATTTGGGCAAGGTCTGGAGAGAGACCACCAGAATTCATACAGACGCCCAT[A>G]AAGAAAAAAGGCCTCCAAACTTTTGAAAGCTGGTGTGGCAGGGGATTGATGGTCCCCCAA-3'
Protein context (NP_056280.2, residues 1272-1292): AFKSLEAFFL[Tyr1282His]GRLYEFWWSL

ClinVar aggregate classification (germline): Uncertain significance (1 of 4 stars; one submission).

Conditions:
Inborn genetic diseases. Identifiers: MedGen C0950123, MeSH D030342.

Allele frequency attached by ClinVar (database versions not stated): TOPMed below 0.00001; gnomAD 0.00001.

Submission:

Ambry Genetics
Classification: Uncertain significance for Inborn genetic diseases. Last evaluated: 2022-10-21. Review status: criteria provided, single submitter. Criteria: Ambry Variant Classification Scheme 2023. Collection method: clinical testing. Allele origin: germline.
Comment: The c.3844T>C (p.Y1282H) alteration is located in exon 26 (coding exon 26) of the GEMIN5 gene. This alteration results from a T to C substitution at nucleotide position 3844, causing the tyrosine (Y) at amino acid position 1282 to be replaced by a histidine (H). Based on data from gnomAD, the C allele has an overall frequency of <0.001% (1/249142) total alleles studied. The highest observed frequency was 0.001% (1/113056) of European (non-Finnish) alleles. This variant has been confirmed in trans with other GEMIN5 variants of in individuals with clinical features of GEMIN5-related neurodevelopmental disorder with cerebellar atrophy and motor dysfunction (Kour, 2021; Rajan, 2022). This amino acid position is highly conserved in available vertebrate species. The in silico prediction for this alteration is inconclusive. Based on insufficient or conflicting evidence, the clinical significance of this alteration remains unclear.

Literature cited by the submitters: PubMed 33963192; PubMed 35295849.